The following is an entry in ClinVar:

NM_024407.5(NDUFS7):c.468A>C (p.Gly156=)

Gene: NDUFS7 (NADH:ubiquinone oxidoreductase core subunit S7; plus strand). Cytogenetic location: 19p13.3.
Variant type: single nucleotide variant.
Coding change: c.468A>C on transcript NM_024407.5 (MANE Select); coding-DNA position 468, A replaced by C.
Protein change: p.Gly156=; no amino-acid change (glycine 156 retained).
Molecular consequence: synonymous variant.
Genome position (GRCh38, 1-based): chr19:1,393,254, A>C. VCF-style: chr19-1393254-A-C. GRCh37 (hg19) VCF-style: chr19-1393253-A-C.
Other names: c.468A>C, p.Gly156= (NM_001363602.2).
Identifiers: ClinVar variation 3051826 (VCV003051826.3), dbSNP rs1193081825, ClinGen allele CA504720436.

ClinVar aggregate classification (germline): Likely benign. Review status: criteria provided, single submitter (1 of 4 stars). 2 submissions from 2 submitters: Likely benign (1). 1 of the submissions does not count toward it. Last evaluated 2024-07-16.

Conditions:
NDUFS7-related disorder. Also called: NDUFS7-related condition.

Submissions (2):

Blueprint Genetics
Classification: Likely benign. Last evaluated: 2024-07-16. Review status: criteria provided, single submitter. Criteria: ACMG Guidelines, 2015. Collection method: clinical testing. Allele origin: germline.

PreventionGenetics, part of Exact Sciences
Classification: Likely benign for NDUFS7-related condition. Last evaluated: 2020-02-07. Review status: no assertion criteria provided. Collection method: clinical testing. Allele origin: germline. Not counted in ClinVar's aggregate classification.
Comment: This variant is classified as likely benign based on ACMG/AMP sequence variant interpretation guidelines (Richards et al. 2015 PMID: 25741868, with internal and published modifications).